The following is an entry in ClinVar:

ClinVar aggregate classification (germline): Uncertain significance (1 of 4 stars; one submission).

Conditions:
Baller-Gerold syndrome (BGS). Also called: CRANIOSYNOSTOSIS WITH RADIAL DEFECTS. Identifiers: Orphanet 1225, MedGen C0265308, MONDO:0009039, OMIM 218600.

Allele frequency attached by ClinVar (database versions not stated): TOPMed below 0.00001.
gnomAD v4.1: 1 of 1,610,156 alleles (0.000062%); highest among the groups gnomAD compares: Non-Finnish European, 0.000085%; no homozygotes.

Submission:

Labcorp Genetics (formerly Invitae), Labcorp
Classification: Uncertain significance for Baller-Gerold syndrome. Last evaluated: 2022-05-06. Review status: criteria provided, single submitter. Criteria: Invitae Variant Classification Sherloc (09022015). Collection method: clinical testing. Allele origin: germline.
Comment: This sequence change replaces glycine, which is neutral and non-polar, with arginine, which is basic and polar, at codon 250 of the RECQL4 protein (p.Gly250Arg). The frequency data for this variant in the population databases is considered unreliable, as metrics indicate poor data quality at this position in the gnomAD database. This variant has not been reported in the literature in individuals affected with RECQL4-related conditions. ClinVar contains an entry for this variant (Variation ID: 961325). In summary, the available evidence is currently insufficient to determine the role of this variant in disease. Therefore, it has been classified as a Variant of Uncertain Significance.

NM_004260.4(RECQL4):c.748G>A (p.Gly250Arg)

Gene: RECQL4 (RecQ like helicase 4; minus strand). Cytogenetic location: 8q24.3.
Variant type: single nucleotide variant.
Coding change: c.748G>A on transcript NM_004260.4 (MANE Select); coding-DNA position 748, G replaced by A.
Protein change: p.Gly250Arg; replaces glycine 250 with arginine.
Molecular consequence: missense variant.
Genome position (GRCh38, 1-based): chr8:144,516,371, C>T on the plus strand (G>A on the coding strand, the complement: RECQL4 is on the minus strand). VCF-style: chr8-144516371-C-T. GRCh37 (hg19) VCF-style: chr8-145741755-C-T.
Other names: short protein forms G250R.
Identifiers: ClinVar variation 961325 (VCV000961325.6), dbSNP rs1174607613, ClinGen allele CA372689411.
Genomic context (GRCh38, chr8:144,516,371, plus strand): 5'-CCCAGGGCTCCTCGTTCCATCTCCGCTTCTCGCCTCCACTGCTGCTGGGCTGGGGGCTCC[C>T]CACACGGATGCTGACTTCTTGGAAGGCTGAAGCCTCTGGGCCCTGGGAGCCAGCACCAGG-3'
Protein context (NP_004251.4, residues 240-260): SAFQEVSIRV[Gly250Arg]SPQPSSSGGE